The following is an entry in ClinVar:

ClinVar aggregate classification (germline): Conflicting classifications of pathogenicity. Review status: criteria provided, conflicting classifications (1 of 4 stars). 3 submissions from 3 submitters: Uncertain significance (2); Likely benign (1). Last evaluated 2024-10-17.

Conditions:
DDX41-related hematologic malignancy predisposition syndrome. Also called: DDX41-Associated Familial Myelodysplastic Syndrome and Acute Myeloid Leukemia; Myeloproliferative/lymphoproliferative neoplasms, familial (multiple types), susceptibility to. Identifiers: Orphanet 488647, MedGen C4225174, MONDO:0014809, OMIM 616871.
Inborn genetic diseases. Identifiers: MedGen C0950123, MeSH D030342.

Allele frequency attached by ClinVar (database versions not stated): gnomAD exomes below 0.00001; ExAC 0.00001; gnomAD 0.00004; TOPMed 0.00004; ESP Exome Variant Server 0.00015.
gnomAD v4.1: 8 of 1,612,686 alleles (0.0005%); highest among the groups gnomAD compares: African/African-American, 0.011%; no homozygotes.

Submissions (3):

Ambry Genetics
Classification: Likely benign for Inborn genetic diseases. Last evaluated: 2024-10-17. Review status: criteria provided, single submitter. Criteria: Ambry Variant Classification Scheme 2023. Collection method: clinical testing. Allele origin: germline.

St. Jude Molecular Pathology, St. Jude Children's Research Hospital
Classification: Uncertain significance for DDX41-related hematologic malignancy predisposition syndrome. Last evaluated: 2023-11-28. Review status: criteria provided, single submitter. Criteria: St. Jude Assertion Criteria 2020. Collection method: clinical testing. Allele origin: germline.
Comment: The DDX41 c.32C>T (p.Ala11Val) missense change has a maximum subpopulation frequency of 0.020% in gnomAD v2.1.1. The in silico tool REVEL predicts a benign effect on protein function, but to our knowledge this prediction has not been confirmed by functional studies. To our knowledge, this variant has not been reported in individuals with DDX41-associated neoplasms. In summary, the evidence currently available is insufficient to determine the clinical significance of this variant. It has therefore been classified as of uncertain significance.

GeneDx
Classification: Uncertain significance. Last evaluated: 2022-08-11. Review status: criteria provided, single submitter. Criteria: GeneDx Variant Classification Process June 2021. Collection method: clinical testing. Allele origin: germline. Affected: yes.
Comment: Not observed at significant frequency in large population cohorts (gnomAD); In silico analysis supports that this missense variant does not alter protein structure/function; Has not been previously published as pathogenic or benign to our knowledge

NM_016222.4(DDX41):c.32C>T (p.Ala11Val)

Gene: DDX41 (DEAD-box helicase 41; minus strand). Cytogenetic location: 5q35.3.
Variant type: single nucleotide variant.
Coding change: c.32C>T on transcript NM_016222.4 (MANE Select); coding-DNA position 32, C replaced by T.
Protein change: p.Ala11Val; replaces alanine 11 with valine.
Molecular consequence: missense variant. On other transcripts: 5 prime UTR variant (2).
Genome position (GRCh38, 1-based): chr5:177,516,831, G>A on the plus strand (C>T on the coding strand, the complement: DDX41 is on the minus strand). VCF-style: chr5-177516831-G-A. GRCh37 (hg19) VCF-style: chr5-176943832-G-A.
Other names: c.-624C>T (NM_001321732.2); c.-416C>T (NM_001321830.2); short protein forms A11V.
Identifiers: ClinVar variation 2429535 (VCV002429535.3), dbSNP rs144762739, ClinGen allele CA3585399.